The following is an entry in ClinVar:

ClinVar aggregate classification (germline): Uncertain significance. Review status: criteria provided, multiple submitters, no conflicts (2 of 4 stars). 2 submissions from 2 submitters: Uncertain significance (2). Last evaluated 2023-03-14.

Conditions:
Autosomal dominant nonsyndromic hearing loss 1. Also called: KONIGSMARK SYNDROME; DEAFNESS, AUTOSOMAL DOMINANT 1, WITH OR WITHOUT THROMBOCYTOPENIA. Identifiers: Orphanet 90635, MedGen C1852282, MONDO:0007424, OMIM 124900.
Progressive microcephaly-seizures-cortical blindness-developmental delay syndrome. Also called: Seizures, cortical blindness, and microcephaly syndrome. Identifiers: Orphanet 477814, MedGen C5567650, MONDO:0014714, OMIM 616632.

Allele frequency attached by ClinVar (database versions not stated): gnomAD exomes below 0.00001 and 0.00001; gnomAD 0.00001 and 0.00002; ExAC 0.00002; TOPMed 0.00003.
gnomAD v4.1: 5 of 1,613,148 alleles (0.00031%); highest among the groups gnomAD compares: Non-Finnish European, 0.00034%; no homozygotes.

Submissions (2):

Labcorp Genetics (formerly Invitae), Labcorp
Classification: Uncertain significance for Progressive microcephaly-seizures-cortical blindness-developmental delay syndrome; Autosomal dominant nonsyndromic hearing loss 1. Last evaluated: 2023-03-14. Review status: criteria provided, single submitter. Criteria: Invitae Variant Classification Sherloc (09022015). Collection method: clinical testing. Allele origin: germline.
Comment: Experimental studies and prediction algorithms are not available or were not evaluated, and the functional significance of this variant is currently unknown. In summary, the available evidence is currently insufficient to determine the role of this variant in disease. Therefore, it has been classified as a Variant of Uncertain Significance. ClinVar contains an entry for this variant (Variation ID: 179592). This variant has not been reported in the literature in individuals affected with DIAPH1-related conditions. This variant is present in population databases (rs727504973, gnomAD 0.002%). This sequence change replaces arginine, which is basic and polar, with glutamine, which is neutral and polar, at codon 212 of the DIAPH1 protein (p.Arg212Gln).

Laboratory for Molecular Medicine, Mass General Brigham Personalized Medicine
Classification: Uncertain significance. Last evaluated: 2014-03-15. Review status: criteria provided, single submitter. Criteria: LMM Criteria. Collection method: clinical testing. Allele origin: germline. Observed: 1 variant allele.
Comment: The Arg212Gln variant in DIAPH1 has not been previously reported in individuals with hearing loss and was absent from large population studies. Computational pr ediction tools and conservation analyses do not provide strong support for or ag ainst an impact to the protein. In summary, additional information is needed to determine the clinical significance of this variant.

NM_005219.5(DIAPH1):c.635G>A (p.Arg212Gln)

Gene: DIAPH1 (diaphanous related formin 1; minus strand). Cytogenetic location: 5q31.3.
Variant type: single nucleotide variant.
Coding change: c.635G>A on transcript NM_005219.5 (MANE Select); coding-DNA position 635, G replaced by A.
Protein change: p.Arg212Gln; replaces arginine 212 with glutamine.
Molecular consequence: missense variant.
Genome position (GRCh38, 1-based): chr5:141,582,361, C>T on the plus strand (G>A on the coding strand, the complement: DIAPH1 is on the minus strand). VCF-style: chr5-141582361-C-T. GRCh37 (hg19) VCF-style: chr5-140961928-C-T.
Other names: c.608G>A, p.Arg203Gln (NM_001079812.3); c.635G>A, p.Arg212Gln (NM_001314007.2); short protein forms R212Q, R203Q.
Identifiers: ClinVar variation 179592 (VCV000179592.7), dbSNP rs727504973, ClinGen allele CA184733.
Genomic context (GRCh38, chr5:141,582,361, plus strand): 5'-AAAAATCTCACCTTGTTGTTCATAAAAGCTTTCAAGCAGCGAATGATCTCATGCTTGTTC[C>T]GGCTATCGTAACTCCTGTATATAGAAGACATAATCAGTGAGGTCCCTTTATTCTCTACCC-3'
Protein context (NP_005210.3, residues 202-222): KEETAGSYDS[Arg212Gln]NKHEIIRCLK